The following is an entry in ClinVar:

ClinVar aggregate classification (germline): Benign/Likely benign. Review status: criteria provided, multiple submitters, no conflicts (2 of 4 stars). 3 submissions from 3 submitters: Benign (1); Likely benign (2). Last evaluated 2024-05-08.

Conditions:
Familial cancer of breast. Also called: Hereditary breast cancer; BREAST CANCER, FAMILIAL; hereditary breast carcinoma. Identifiers: Orphanet 227535, MedGen C0346153, MONDO:0016419, OMIM 114480. Disease mechanism: loss of function.
Hereditary cancer-predisposing syndrome. Also called: Tumor predisposition; Hereditary Cancer Syndrome; Neoplastic Syndromes, Hereditary; Hereditary neoplastic syndrome. Identifiers: Orphanet 140162, MedGen C0027672, MeSH D009386, MONDO:0015356.
Ataxia-telangiectasia syndrome (AT). Also called: Ataxia telangiectasia (A-T); Cerebello-oculocutaneous telangiectasia; Immunodeficiency with ataxia telangiectasia; LOUIS-BAR SYNDROME; ATAXIA-TELANGIECTASIA, FRESNO VARIANT; Ataxia-telangiectasia, complementation group D. Identifiers: Orphanet 100, MedGen C0004135, MONDO:0008840, OMIM 208900.

Allele frequency attached by ClinVar (database versions not stated): gnomAD exomes below 0.00001.
gnomAD v4.1: 2 of 1,613,940 alleles (0.00012%); highest among the groups gnomAD compares: Non-Finnish European, 0.00017%; no homozygotes.

Submissions (3):

Myriad Genetics, Inc.
Classification: Benign for Familial cancer of breast. Last evaluated: 2024-05-08. Review status: criteria provided, single submitter. Criteria: Myriad Autosomal Dominant, Autosomal Recessive and X-Linked Classification Criteria (2023). Collection method: clinical testing. Allele origin: unknown.
Comment: This variant is considered benign. This variant is a silent/synonymous amino acid change and it is not expected to impact splicing.

Labcorp Genetics (formerly Invitae), Labcorp
Classification: Likely benign for Ataxia-telangiectasia syndrome. Last evaluated: 2018-04-18. Review status: criteria provided, single submitter. Criteria: Invitae Variant Classification Sherloc (09022015). Collection method: clinical testing. Allele origin: germline.

Ambry Genetics
Classification: Likely benign for Hereditary cancer-predisposing syndrome. Last evaluated: 2018-03-12. Review status: criteria provided, single submitter. Criteria: Ambry Variant Classification Scheme 2023. Collection method: clinical testing. Allele origin: germline.

NM_000051.4(ATM):c.2352A>T (p.Thr784=)

Gene: ATM (ATM serine/threonine kinase; plus strand). Cytogenetic location: 11q22.3.
Variant type: single nucleotide variant.
Coding change: c.2352A>T on transcript NM_000051.4 (MANE Select); coding-DNA position 2352, A replaced by T.
Protein change: p.Thr784=; no amino-acid change (threonine 784 retained).
Molecular consequence: synonymous variant.
Genome position (GRCh38, 1-based): chr11:108,257,582, A>T. VCF-style: chr11-108257582-A-T. GRCh37 (hg19) VCF-style: chr11-108128309-A-T.
Other names: c.2352A>T, p.Thr784= (NM_001351834.2).
Identifiers: ClinVar variation 758367 (VCV000758367.14), dbSNP rs759679953, ClinGen allele CA476672752.